The following is an entry in ClinVar:

NM_001370259.2(MEN1):c.1698_1699del (p.Ala567fs)

Gene: MEN1 (menin 1; minus strand). Cytogenetic location: 11q13.1.
Variant type: Deletion.
Coding change: c.1698_1699del on transcript NM_001370259.2 (MANE Select); coding-DNA positions 1698 to 1699, 2 bases deleted (GG; older notation c.1698_1699delGG).
Protein change: p.Ala567fs; shifts the reading frame from alanine 567.
Molecular consequence: frameshift variant.
Genome position (GRCh38, 1-based): chr11:64,804,468-64,804,469, CC deleted on the plus strand (GG on the coding strand, the reverse complement: MEN1 is on the minus strand). VCF-style (leftmost placement, unchanged base first): chr11-64804467-GCC-G. GRCh37 (hg19) VCF-style: chr11-64571939-GCC-G.
Other names: c.1713_1714del, p.Ala572fs (NM_000244.4, NM_130800.3, NM_130801.3 and 3 more transcripts); c.1824_1825del, p.Ala609fs (NM_001370251.2); c.1698_1699del, p.Ala567fs (NM_001370260.2, NM_001370261.2, NM_130799.3); c.1593_1594del, p.Ala532fs (NM_001370262.2, NM_001370263.2); c.1824_1825delGG, p.Ala609Hisfs (NM_001407142.1, NM_001407143.1, NM_001407144.1); c.1713_1714delGG, p.Ala572Hisfs (NM_001407145.1); c.1698_1699delGG, p.Ala567Hisfs (NM_001407146.1, NM_001407147.1); c.1593_1594delGG, p.Ala532Hisfs (NM_001407148.1, NM_001407149.1); and 3 more; short protein forms A572fs, A532fs, A567fs, A609fs.
Identifiers: ClinVar variation 1778259 (VCV001778259.2), dbSNP rs2497105049, ClinGen allele CA2580084409.
Genomic context (GRCh38, chr11:64,804,467, plus strand): 5'-ATCTGCACTTGCGACTGTGCCGTGAGTTGCAGCTTGATGGCGCTCGAGTTGATCTTGGTG[GCC>G]ACCAGCAGCTCCTTCATGCCCTTCATCTTCTCACTCTGGAAAGTGAGCACTGGACCCTCC-3'

ClinVar aggregate classification (germline): Uncertain significance (1 of 4 stars; one submission).

Conditions:
Hereditary cancer-predisposing syndrome. Also called: Neoplastic Syndromes, Hereditary; Tumor predisposition; Hereditary Cancer Syndrome; Hereditary neoplastic syndrome. Identifiers: Orphanet 140162, MedGen C0027672, MeSH D009386, MONDO:0015356.

Submission:

Ambry Genetics
Classification: Uncertain significance for Hereditary cancer-predisposing syndrome. Last evaluated: 2018-08-27. Review status: criteria provided, single submitter. Criteria: Ambry Variant Classification Scheme 2023. Collection method: clinical testing. Allele origin: germline.
Comment: The c.1698_1699delGG variant, located in coding exon 9 of the MEN1 gene, results from a deletion of two nucleotides at nucleotide positions 1698 to 1699, causing a translational frameshift with a predicted alternate stop codon (p.A567Hfs*29). Premature stop codons are typically deleterious in nature, however, this stop codon occurs at the 3' terminus of MEN1, is not expected to trigger nonsense-mediated mRNA decay, and impacts only the last 16 amino acids of the protein. The exact functional impact of these removed amino acids is unknown at this time. Since supporting evidence is limited, the clinical significance of this alteration remains unclear.